The following is an entry in ClinVar:

NM_006158.5(NEFL):c.726G>C (p.Gln242His)

Gene: NEFL (neurofilament light chain; minus strand). Cytogenetic location: 8p21.2.
Variant type: single nucleotide variant.
Coding change: c.726G>C on transcript NM_006158.5 (MANE Select); coding-DNA position 726, G replaced by C.
Protein change: p.Gln242His; replaces glutamine 242 with histidine.
Molecular consequence: missense variant.
Genome position (GRCh38, 1-based): chr8:24,955,790, C>G on the plus strand (G>C on the coding strand, the complement: NEFL is on the minus strand). VCF-style: chr8-24955790-C-G. GRCh37 (hg19) VCF-style: chr8-24813304-C-G.
Other names: short protein forms Q242H.
Identifiers: ClinVar variation 2580048 (VCV002580048.1), dbSNP rs1300208405, ClinGen allele CA370621764.
Genomic context (GRCh38, chr8:24,955,790, plus strand): 5'-GCGGATGTCCTTGAGCGCGGCGGAAAGGTCGGGCTTGGTCACGTCCATCTCCACGGAGAT[C>G]TGCGCGTACTGGATCTGCGCCTGCAGTTCGGCGATCTCCTCTTCGTGCACTTTCTTCAGA-3'
Protein context (NP_006149.2, residues 232-252): AELQAQIQYA[Gln242His]ISVEMDVTKP

ClinVar aggregate classification (germline): Uncertain significance (1 of 4 stars; one submission).

Allele frequency attached by ClinVar (database versions not stated): TOPMed below 0.00001; gnomAD 0.00001.

Submission:

GeneDx
Classification: Uncertain significance. Last evaluated: 2023-03-14. Review status: criteria provided, single submitter. Criteria: GeneDx Variant Classification Process June 2021. Collection method: clinical testing. Allele origin: germline. Affected: yes.
Comment: In silico analysis supports that this missense variant does not alter protein structure/function; Has not been previously published as pathogenic or benign to our knowledge